The following is an entry in ClinVar:

ClinVar aggregate classification (germline): Uncertain significance (1 of 4 stars; one submission).

gnomAD v4.1: 6 of 1,614,054 alleles (0.00037%); highest among the groups gnomAD compares: South Asian, 0.0022%; no homozygotes.

Submission:

Labcorp Genetics (formerly Invitae), Labcorp
Classification: Uncertain significance. Last evaluated: 2024-03-25. Review status: criteria provided, single submitter. Criteria: Invitae Variant Classification Sherloc (09022015). Collection method: clinical testing. Allele origin: germline.
Comment: This sequence change replaces arginine, which is basic and polar, with histidine, which is basic and polar, at codon 865 of the SLC12A6 protein (p.Arg865His). This variant is present in population databases (rs758782328, gnomAD 0.006%). This variant has not been reported in the literature in individuals affected with SLC12A6-related conditions. Advanced modeling of protein sequence and biophysical properties (such as structural, functional, and spatial information, amino acid conservation, physicochemical variation, residue mobility, and thermodynamic stability) performed at Invitae indicates that this missense variant is not expected to disrupt SLC12A6 protein function with a negative predictive value of 80%. In summary, the available evidence is currently insufficient to determine the role of this variant in disease. Therefore, it has been classified as a Variant of Uncertain Significance.

NM_001365088.1(SLC12A6):c.2594G>A (p.Arg865His)

Genes: SLC12A6 (solute carrier family 12 member 6; minus strand), LOC126862097 (P300/CBP strongly-dependent group 1 enhancer GRCh37_chr15:34531007-34532206; plus strand). Cytogenetic location: 15q14.
Variant type: single nucleotide variant.
Coding change: c.2594G>A on transcript NM_001365088.1 (MANE Select); coding-DNA position 2594, G replaced by A.
Protein change: p.Arg865His; replaces arginine 865 with histidine.
Molecular consequence: missense variant.
Genome position (GRCh38, 1-based): chr15:34,239,003, C>T on the plus strand (G>A on the coding strand, the complement: SLC12A6 is on the minus strand). VCF-style: chr15-34239003-C-T. GRCh37 (hg19) VCF-style: chr15-34531204-C-T.
Other names: c.2417G>A, p.Arg806His (NM_001042494.2, NM_001042495.2); c.2567G>A, p.Arg856His (NM_001042496.2); c.2549G>A, p.Arg850His (NM_001042497.2); c.2441G>A, p.Arg814His (NM_005135.2); c.2594G>A, p.Arg865His (NM_133647.2); short protein forms R806H, R814H, R850H, R856H, R865H.
Identifiers: ClinVar variation 3611032 (VCV003611032.2).